The following is an entry in ClinVar:

NM_000152.5(GAA):c.693-434C>A

Gene: GAA (alpha glucosidase; plus strand). Cytogenetic location: 17q25.3.
Variant type: single nucleotide variant.
Coding change: c.693-434C>A on transcript NM_000152.5 (MANE Select); 434 bases into the intron before coding-DNA position 693, C replaced by A.
Molecular consequence: intron variant.
Genome position (GRCh38, 1-based): chr17:80,107,123, C>A. VCF-style: chr17-80107123-C-A. GRCh37 (hg19) VCF-style: chr17-78080922-C-A.
Other names: c.693-434C>A (NM_001406741.1, NM_001406742.1, NM_001079803.3 and 1 more transcripts).
Identifiers: ClinVar variation 4876417 (VCV004876417.1).

ClinVar aggregate classification (germline): Benign (1 of 4 stars; one submission).

Conditions:
Glycogen storage disease, type II (IOPD). Also called: Pompe Disease; CARDIOMEGALIA GLYCOGENICA DIFFUSA; GLYCOGENOSIS, GENERALIZED, CARDIAC FORM; GSD II; POMPE DISEASE, INFANTILE-ONSET; GLYCOGEN STORAGE DISEASE II, INFANTILE-ONSET. Identifiers: Orphanet 365, MedGen C0017921, MONDO:0009290, OMIM 232300.

gnomAD v4.1: 99,252 of 151,712 alleles (65%); highest among the groups gnomAD compares: Middle Eastern, 85%; 33,315 homozygotes.

Submission:

Genomenon, Inc
Classification: Benign for Glycogen storage disease, type II. Last evaluated: 2026-07-01. Review status: criteria provided, single submitter. Criteria: Genomenon Sequence Variant Interpretation Standards - Updated. Collection method: curation. Allele origin: germline. Affected: no.
Comment: GAA c.693-434C>A is an intronic variant located in intron 3. This variant is present at high allele frequency in population databases. We classify GAA c.693-434C>A as a benign variant.